The following is an entry in ClinVar:

NM_006017.3(PROM1):c.-25T>A

Gene: PROM1 (prominin 1; minus strand). Cytogenetic location: 4p15.32.
Variant type: single nucleotide variant.
Coding change: c.-25T>A on transcript NM_006017.3 (MANE Select); 25 bases upstream of the start codon, T replaced by A.
Molecular consequence: 5 prime UTR variant.
Genome position (GRCh38, 1-based): chr4:16,075,931, A>T on the plus strand (T>A on the coding strand, the complement: PROM1 is on the minus strand). VCF-style: chr4-16075931-A-T. GRCh37 (hg19) VCF-style: chr4-16077554-A-T.
Other names: c.-25T>A (NM_001145847.2, NM_001145848.2, NM_001145849.2 and 6 more transcripts).
Identifiers: ClinVar variation 348012 (VCV000348012.6), dbSNP rs149845694, ClinGen allele CA2867210.
Genomic context (GRCh38, chr4:16,075,931, plus strand): 5'-CCCCAGCAGCAACAGGGAGCCGAGTACGAGGGCCATAGCTAGCAAGATCCTCCAAACATG[A>T]GGTAGAACTTGGTGCCTCCTGCCTCAGAGCTTCTGGAAGCCTTGGGGAAGGCAAGCGTGT-3'

ClinVar aggregate classification (germline): Conflicting classifications of pathogenicity. Review status: criteria provided, conflicting classifications (1 of 4 stars). 5 submissions from 2 submitters: Uncertain significance (1); Benign (2); Likely benign (2). Last evaluated 2018-05-22.

Conditions:
Retinitis pigmentosa (RP). Identifiers: Orphanet 791, MedGen C0035334, MeSH D012174, MONDO:0019200, OMIM 268000. Inheritance: Autosomal dominant, autosomal recessive and X linked inheritance.
Cone-rod dystrophy 12 (CORD12). Identifiers: Orphanet 1872, MedGen C2675210, MONDO:0012983, OMIM 612657.
Retinal macular dystrophy type 2 (MCDR2). Also called: Bull's eye macular dystrophy. Identifiers: Orphanet 319640, MedGen C4749334, MONDO:0011957, OMIM 608051.
Stargardt disease 4 (STGD4). Identifiers: Orphanet 827, MedGen C1863534, MONDO:0011370, OMIM 603786.

Allele frequency attached by ClinVar (database versions not stated): ESP Exome Variant Server 0.00120; gnomAD 0.00194 and 0.00233; TOPMed 0.00209; gnomAD exomes 0.00346 and 0.00347; 1000 Genomes Project 30x 0.00390; 1000 Genomes Project 0.00439; ExAC 0.00484.
gnomAD v4.1: 5,293 of 1,578,096 alleles (0.34%); highest among the groups gnomAD compares: Middle Eastern, 1.4%; 26 homozygotes.

Submissions (5):

Blueprint Genetics
Classification: Likely benign. Last evaluated: 2018-05-22. Review status: criteria provided, single submitter. Criteria: ACMG Guidelines, 2015. Collection method: clinical testing. Allele origin: germline.

Illumina Laboratory Services, Illumina
Classification: Likely benign for Retinal macular dystrophy type 2. Last evaluated: 2018-01-13. Review status: criteria provided, single submitter. Criteria: ICSL Variant Classification Criteria 13 December 2019. Collection method: clinical testing. Allele origin: germline.
Comment: This variant was observed in the ICSL laboratory as part of a predisposition screen in an ostensibly healthy population. It had not been previously curated by ICSL or reported in the Human Gene Mutation Database (HGMD: prior to June 1st, 2018), and was therefore a candidate for classification through an automated scoring system. Utilizing variant allele frequency, disease prevalence and penetrance estimates, and inheritance mode, an automated score was calculated to assess if this variant is too frequent to cause the disease. Based on the score and internal cut-off values, a variant classified as likely benign is not then subjected to further curation. The score for this variant resulted in a classification of likely benign for this disease.

Illumina Laboratory Services, Illumina
Classification: Benign for Cone-rod dystrophy 12. Last evaluated: 2018-01-13. Review status: criteria provided, single submitter. Criteria: ICSL Variant Classification Criteria 13 December 2019. Collection method: clinical testing. Allele origin: germline.
Comment: This variant was observed in the ICSL laboratory as part of a predisposition screen in an ostensibly healthy population. It had not been previously curated by ICSL or reported in the Human Gene Mutation Database (HGMD: prior to June 1st, 2018), and was therefore a candidate for classification through an automated scoring system. Utilizing variant allele frequency, disease prevalence and penetrance estimates, and inheritance mode, an automated score was calculated to assess if this variant is too frequent to cause the disease. Based on the score and internal cut-off values, a variant classified as benign is not then subjected to further curation. The score for this variant resulted in a classification of benign for this disease.

Illumina Laboratory Services, Illumina
Classification: Benign for Stargardt disease 4. Last evaluated: 2018-01-13. Review status: criteria provided, single submitter. Criteria: ICSL Variant Classification Criteria 13 December 2019. Collection method: clinical testing. Allele origin: germline.
Comment: the same text as in the submission from Illumina Laboratory Services, Illumina above.

Illumina Laboratory Services, Illumina
Classification: Uncertain significance for Retinitis pigmentosa. Last evaluated: 2018-01-13. Review status: criteria provided, single submitter. Criteria: ICSL Variant Classification Criteria 13 December 2019. Collection method: clinical testing. Allele origin: germline.